The following is an entry in ClinVar:

NM_014921.5(ADGRL1):c.608C>G (p.Pro203Arg)

Genes: ADGRL1 (adhesion G protein-coupled receptor L1; minus strand), ADGRL1-AS1 (ADGRL1 antisense RNA 1; plus strand). Cytogenetic location: 19p13.12.
Variant type: single nucleotide variant.
Coding change: c.608C>G on transcript NM_014921.5 (MANE Select); coding-DNA position 608, C replaced by G.
Protein change: p.Pro203Arg; replaces proline 203 with arginine.
Molecular consequence: missense variant.
Genome position (GRCh38, 1-based): chr19:14,163,193, G>C on the plus strand (C>G on the coding strand, the complement: ADGRL1 is on the minus strand). VCF-style: chr19-14163193-G-C. GRCh37 (hg19) VCF-style: chr19-14274005-G-C.
Other names: c.623C>G, p.Pro208Arg (NM_001008701.3); short protein forms P208R, P203R.
Identifiers: ClinVar variation 2867530 (VCV002867530.3), dbSNP rs2512937448, ClinGen allele CA404413971.

ClinVar aggregate classification (germline): Uncertain significance (1 of 4 stars; one submission).

Submission:

Labcorp Genetics (formerly Invitae), Labcorp
Classification: Uncertain significance. Last evaluated: 2023-02-28. Review status: criteria provided, single submitter. Criteria: Invitae Variant Classification Sherloc (09022015). Collection method: clinical testing. Allele origin: germline.
Comment: In summary, the available evidence is currently insufficient to determine the role of this variant in disease. Therefore, it has been classified as a Variant of Uncertain Significance. Algorithms developed to predict the effect of missense changes on protein structure and function are either unavailable or do not agree on the potential impact of this missense change (SIFT: "Deleterious"; PolyPhen-2: "Probably Damaging"; Align-GVGD: "Class C0"). This variant has not been reported in the literature in individuals affected with ADGRL1-related conditions. This variant is not present in population databases (gnomAD no frequency). This sequence change replaces proline, which is neutral and non-polar, with arginine, which is basic and polar, at codon 208 of the ADGRL1 protein (p.Pro208Arg).